The following is an entry in ClinVar:

ClinVar aggregate classification (germline): Pathogenic. Review status: criteria provided, multiple submitters, no conflicts (2 of 4 stars). 3 submissions from 3 submitters: Pathogenic (2). 1 of the submissions does not count toward it. Last evaluated 2024-04-16.

Conditions:
GNS-related disorder. Also called: GNS-related condition.
Mucopolysaccharidosis, MPS-III-D (MPS3D). Also called: MPS III D; MUCOPOLYSACCHARIDOSIS, TYPE IIID; SANFILIPPO SYNDROME D; Mucopoly-saccharidosis type 3D; N-acetylglucosamine-6-sulfate sulfatase deficiency; MPS 3D. Identifiers: Orphanet 581, Orphanet 79272, MedGen C0086650, MONDO:0009658, OMIM 252940.

Submissions (3):

Blueprint Genetics
Classification: Pathogenic for GNS-related disorders. Last evaluated: 2024-04-16. Review status: criteria provided, single submitter. Criteria: ACMG Guidelines, 2015. Collection method: clinical testing. Allele origin: germline. Affected: yes. Observed: 2 variant alleles.

Labcorp Genetics (formerly Invitae), Labcorp
Classification: Pathogenic for Mucopolysaccharidosis, MPS-III-D. Last evaluated: 2020-08-14. Review status: criteria provided, single submitter. Criteria: Invitae Variant Classification Sherloc (09022015). Collection method: clinical testing. Allele origin: germline.
Comment: This sequence change creates a premature translational stop signal (p.Gln390*) in the GNS gene. It is expected to result in an absent or disrupted protein product. This variant is not present in population databases (ExAC no frequency). This variant has been observed in individual(s) with Sanfilippo syndrome type D (PMID: 17998446). It has also been observed to segregate with disease in related individuals. ClinVar contains an entry for this variant (Variation ID: 2934). Loss-of-function variants in GNS are known to be pathogenic (PMID: 20232353). For these reasons, this variant has been classified as Pathogenic.

OMIM
Classification: Pathogenic for MUCOPOLYSACCHARIDOSIS, TYPE IIID. Last evaluated: 2007-11-01. Review status: no assertion criteria provided. Collection method: literature only. Allele origin: germline. Not counted in ClinVar's aggregate classification.

Literature cited by the submitters: PubMed 17998446 (cited by Labcorp Genetics (formerly Invitae), Labcorp and OMIM); PubMed 20232353 (cited by Labcorp Genetics (formerly Invitae), Labcorp); PubMed 3100754 (cited by OMIM).

NM_002076.4(GNS):c.1168C>T (p.Gln390Ter)

Gene: GNS (glucosamine (N-acetyl)-6-sulfatase; minus strand). Cytogenetic location: 12q14.3.
Variant type: single nucleotide variant.
Coding change: c.1168C>T on transcript NM_002076.4 (MANE Select); coding-DNA position 1168, C replaced by T.
Protein change: p.Gln390Ter; replaces glutamine 390 with a stop codon.
Molecular consequence: nonsense.
Genome position (GRCh38, 1-based): chr12:64,728,988, G>A on the plus strand (C>T on the coding strand, the complement: GNS is on the minus strand). VCF-style: chr12-64728988-G-A. GRCh37 (hg19) VCF-style: chr12-65122768-G-A.
Other names: short protein forms Q390*.
Identifiers: ClinVar variation 2934 (VCV000002934.11), dbSNP rs119461975, ClinGen allele CA115885.